The following is an entry in ClinVar:

ClinVar aggregate classification (germline): Uncertain significance (1 of 4 stars; one submission).

Submission:

Dasa
Classification: Uncertain significance. Last evaluated: 2024-12-13. Review status: criteria provided, single submitter. Criteria: DASA Assertion Criteria. Collection method: clinical testing. Allele origin: germline.
Comment: NM_000019.4(ACAT1):c.1255G>T (p.Ala419Ser) is a missense variant that results in the substitution of alanine with serine. This variant is rare in population databases. Computational prediction algorithms are consistent with a deleterious effect. The currently available literature and clinical evidence are not sufficient to establish a definitive association between this variant and the reported condition. Therefore, this variant is classified as a variant of uncertain significance.

NM_000019.4(ACAT1):c.1255G>T (p.Ala419Ser)

Gene: ACAT1 (acetyl-CoA acetyltransferase 1; plus strand). Cytogenetic location: 11q22.3.
Variant type: single nucleotide variant.
Coding change: c.1255G>T on transcript NM_000019.4 (MANE Select); coding-DNA position 1255, G replaced by T.
Protein change: p.Ala419Ser; replaces alanine 419 with serine.
Molecular consequence: missense variant. On other transcripts: non-coding transcript variant (2).
Genome position (GRCh38, 1-based): chr11:108,147,361, G>T. VCF-style: chr11-108147361-G-T. GRCh37 (hg19) VCF-style: chr11-108018088-G-T.
Other names: c.1276G>T, p.Ala426Ser (NM_001386677.1); c.940G>T, p.Ala314Ser (NM_001386678.1); c.958G>T, p.Ala320Ser (NM_001386679.1); c.985G>T, p.Ala329Ser (NM_001386681.1, NM_001386682.1, NM_001386685.1 and 6 more transcripts); short protein forms A314S, A320S, A329S, A419S, A426S.
Identifiers: ClinVar variation 4885639 (VCV004885639.2).